The following is an entry in ClinVar:

NM_000059.4(BRCA2):c.1831_1842delinsATCAG (p.Ser611fs)

Gene: BRCA2 (BRCA2 DNA repair associated; plus strand). Cytogenetic location: 13q13.1.
Variant type: Indel.
Coding change: c.1831_1842delinsATCAG on transcript NM_000059.4 (MANE Select); coding-DNA positions 1831 to 1842, TCAGAACTAATT replaced by ATCAG.
Protein change: p.Ser611fs; shifts the reading frame from serine 611.
Molecular consequence: frameshift variant.
Genome position (GRCh38, 1-based): chr13:32,333,309-32,333,320, TCAGAACTAATT replaced by ATCAG. VCF-style: chr13-32333309-TCAGAACTAATT-ATCAG. GRCh37 (hg19) VCF-style: chr13-32907446-TCAGAACTAATT-ATCAG.
Other names: c.1831_1842delTCAGAACTAATTinsATCAG (NM_000059.3); short protein forms S611fs.
Identifiers: ClinVar variation 419477 (VCV000419477.9), dbSNP rs1064793898, ClinGen allele CA16619663.

ClinVar aggregate classification (germline): Pathogenic. Review status: reviewed by expert panel (3 of 4 stars). 3 submissions from 3 submitters: Pathogenic (1). 2 of the submissions do not count toward it. Last evaluated 2017-12-15.

Conditions:
Breast-ovarian cancer, familial, susceptibility to, 2 (BROVCA2). Also called: BRCA2 Hereditary Breast and Ovarian Cancer. Identifiers: Orphanet 145, MedGen C2675520, MONDO:0012933, OMIM 612555. Disease mechanism: loss of function.
Hereditary breast ovarian cancer syndrome. Also called: Hereditary breast and ovarian cancer syndrome; BRCA1- and BRCA2-Associated Hereditary Breast and Ovarian Cancer; Hereditary breast and/or ovarian cancer syndrome; Hereditary breast and ovarian cancer; Breast and ovarian cancer; Hereditary breast and ovarian cancer syndrome (HBOC). Identifiers: Orphanet 145, MedGen C0677776, MeSH D061325, MONDO:0003582. Disease mechanism: loss of function.

Submissions (3):

Evidence-based Network for the Interpretation of Germline Mutant Alleles (ENIGMA)
Classification: Pathogenic for Breast-ovarian cancer, familial, susceptibility to, 2. Last evaluated: 2017-12-15. Review status: reviewed by expert panel. Criteria: ENIGMA BRCA1/2 Classification Criteria (2017-06-29). Collection method: curation. Allele origin: germline. Study: ENIGMA.
Comment: Variant allele predicted to encode a truncated non-functional protein.

Labcorp Genetics (formerly Invitae), Labcorp
Classification: Pathogenic for Hereditary breast ovarian cancer syndrome. Last evaluated: 2025-08-11. Review status: criteria provided, single submitter. Criteria: Invitae Variant Classification Sherloc (09022015). Collection method: clinical testing. Allele origin: germline. Not counted in ClinVar's aggregate classification.
Comment: This sequence change creates a premature translational stop signal (p.Ser611Ilefs*31) in the BRCA2 gene. It is expected to result in an absent or disrupted protein product. Loss-of-function variants in BRCA2 are known to be pathogenic (PMID: 20104584). This variant is not present in population databases (gnomAD no frequency). This premature translational stop signal has been observed in individual(s) with ovarian cancer (PMID: 30322717). ClinVar contains an entry for this variant (Variation ID: 1780942). For these reasons, this variant has been classified as Pathogenic.

GeneDx
Classification: Pathogenic. Last evaluated: 2015-07-10. Review status: criteria provided, single submitter. Criteria: GeneDx Variant Classification (06012015). Collection method: clinical testing. Allele origin: germline. Affected: yes. Not counted in ClinVar's aggregate classification.
Comment: This combined deletion and insertion is denoted BRCA2 c.1831_1842del12insATCAG at the cDNA level and p.Ser611IlefsX31 (S611IfsX31) at the protein level. Using alternate nomenclature, this variant would be defined as BRCA2 2059_2070del12insATCAG. The normal sequence, with the bases that are deleted in braces and inserted in brackets, is AAAA[del12][ATCAG]AACT. The variant causes a frameshift, which changes a Serine to an Isoleucine at codon 611, and creates a premature stop codon at position 31 of the new reading frame. Although this variant has not, to our knowledge, been reported in the literature, it is predicted to cause loss of normal protein function through either protein truncation or nonsense-mediated mRNA decay. we consider this variant to be pathogenic.

Literature cited by the submitters: PubMed 20104584 (cited by Labcorp Genetics (formerly Invitae), Labcorp); PubMed 30322717 (cited by Labcorp Genetics (formerly Invitae), Labcorp).